The following is an entry in ClinVar:

ClinVar aggregate classification (germline): Likely pathogenic (1 of 4 stars; one submission).

Submission:

Labcorp Genetics (formerly Invitae), Labcorp
Classification: Likely pathogenic. Last evaluated: 2024-03-16. Review status: criteria provided, single submitter. Criteria: Invitae Variant Classification Sherloc (09022015). Collection method: clinical testing. Allele origin: germline.
Comment: This sequence change affects a donor splice site in intron 7 of the C1S gene. It is expected to disrupt RNA splicing. Variants that disrupt the donor or acceptor splice site typically lead to a loss of protein function (PMID: 16199547), and loss-of-function variants in C1S are known to be pathogenic (PMID: 18062908). This variant is present in population databases (no rsID available, gnomAD 0.0009%). This variant has not been reported in the literature in individuals affected with C1S-related conditions. Algorithms developed to predict the effect of sequence changes on RNA splicing suggest that this variant may disrupt the consensus splice site. In summary, the currently available evidence indicates that the variant is pathogenic, but additional data are needed to prove that conclusively. Therefore, this variant has been classified as Likely Pathogenic.

Literature cited by the submitters: PubMed 16199547; PubMed 18062908.

NM_001734.5(C1S):c.871+1G>T

Gene: C1S (complement C1s; plus strand). Cytogenetic location: 12p13.31.
Variant type: single nucleotide variant.
Coding change: c.871+1G>T on transcript NM_001734.5 (MANE Select); the canonical splice donor site of the intron after coding-DNA position 871, G replaced by T.
Molecular consequence: splice donor variant.
Genome position (GRCh38, 1-based): chr12:7,065,971, G>T. VCF-style: chr12-7065971-G-T. GRCh37 (hg19) VCF-style: chr12-7173275-G-T.
Other names: c.871+1G>T (NM_201442.4); c.370+1G>T (NM_001346850.2).
Identifiers: ClinVar variation 3646402 (VCV003646402.2).